The following is an entry in ClinVar:

ClinVar aggregate classification (germline): Likely pathogenic (1 of 4 stars; one submission).

Conditions:
Developmental and epileptic encephalopathy, 7 (DEE7). Also called: Early infantile epileptic encephalopathy 7; KCNQ2-Related Neonatal-Onset Developmental and Epileptic Encephalopathy (NEO-DEE); KCNQ2-Related Neonatal Epileptic Encephalopathy. Identifiers: Orphanet 439218, MedGen C3150986, MONDO:0013387, OMIM 613720.

Submission:

Laboratorio de Genetica e Diagnostico Molecular, Hospital Israelita Albert Einstein
Classification: Likely pathogenic for Developmental and epileptic encephalopathy, 7. Last evaluated: 2022-12-30. Review status: criteria provided, single submitter. Criteria: ACMG Guidelines, 2015. Collection method: clinical testing. Allele origin: germline. Affected: yes. Observed: 1 variant allele.
Comment: ACMG classification criteria: PVS1 very strong, PM2 moderated

NM_172107.4(KCNQ2):c.236del (p.Asn79fs)

Gene: KCNQ2 (potassium voltage-gated channel subfamily Q member 2; minus strand). Cytogenetic location: 20q13.33.
Variant type: Deletion.
Coding change: c.236del on transcript NM_172107.4 (MANE Select); coding-DNA position 236, one base deleted (A; older notation c.236delA).
Protein change: p.Asn79fs; shifts the reading frame from asparagine 79.
Molecular consequence: frameshift variant.
Genome position (GRCh38, 1-based): chr20:63,472,228, T deleted on the plus strand (A on the coding strand, the reverse complement: KCNQ2 is on the minus strand); the first of 2 consecutive T bases (chr20:63,472,228-63,472,229); deleting either gives the same sequence. VCF-style (leftmost placement, unchanged base first): chr20-63472227-AT-A. GRCh37 (hg19) VCF-style: chr20-62103580-AT-A.
Other names: c.236del, p.Asn79fs (NM_001382235.1, NM_004518.6, NM_172106.3 and 2 more transcripts); short protein forms N79fs.
Identifiers: ClinVar variation 2431526 (VCV002431526.1), dbSNP rs2516743666, ClinGen allele CA2580098407.